The following is an entry in ClinVar:

NM_005916.5(MCM7):c.776G>C (p.Gly259Ala)

Gene: MCM7 (minichromosome maintenance complex component 7; minus strand). Cytogenetic location: 7q22.1.
Variant type: single nucleotide variant.
Coding change: c.776G>C on transcript NM_005916.5 (MANE Select); coding-DNA position 776, G replaced by C.
Protein change: p.Gly259Ala; replaces glycine 259 with alanine.
Molecular consequence: missense variant.
Genome position (GRCh38, 1-based): chr7:100,098,235, C>G on the plus strand (G>C on the coding strand, the complement: MCM7 is on the minus strand). VCF-style: chr7-100098235-C-G. GRCh37 (hg19) VCF-style: chr7-99695858-C-G.
Other names: c.248G>C, p.Gly83Ala (NM_001278595.2, NM_182776.3); short protein forms G259A, G83A.
Identifiers: ClinVar variation 1173069 (VCV001173069.3), dbSNP rs758105856, ClinGen allele CA368450121.
Genomic context (GRCh38, chr7:100,098,235, plus strand): 5'-GGCAAGAAAATACCAGTGACGCTGACGTGGTCTCCAGGCTGGGCAATCCTTGTGTTCTCT[C>G]CTTCTACCAGCACCGTGATACTACGAGGGATATTTCCCACAGGCACCTGATCACTCTAGG-3'
Protein context (NP_005907.3, residues 249-269): IPRSITVLVE[Gly259Ala]ENTRIAQPGD

ClinVar aggregate classification (germline): Pathogenic. Review status: criteria provided, multiple submitters, no conflicts (2 of 4 stars). 2 submissions from 2 submitters: Pathogenic (2). Last evaluated 2021-06-23.

Conditions:
Meier-Gorlin syndrome (MGORS1). Identifiers: Orphanet 2554, MedGen C1868684, MONDO:0016817. Disease mechanism: gain of function.
Astigmatism. Identifiers: MedGen C0004106, MONDO:0011284, OMIM 603047, HP:0000483.
Microcephaly. Also called: Microcephaly (disease). Identifiers: MedGen C4551563, MONDO:0001149, HP:0000252.
Trichiasis. Identifiers: MedGen C0221259, HP:0001128.
Progeroid facial appearance. Identifiers: MedGen C1857710, HP:0005328.
Anisometropia. Identifiers: MedGen C0003081, MONDO:0001478, HP:0012803.
Psychomotor retardation. Identifiers: MedGen C5441816.
Microphthalmia. Also called: Microphthalmos. Identifiers: MedGen C0026010, MONDO:0021129, HP:0000568.
Deeply set eye. Also called: sunken eyes; Deep-set eyes. Identifiers: MedGen C0423224, HP:0000490.
Hypermetropia. Also called: Hyperopia. Identifiers: MedGen C0020490, MONDO:0004891, HP:0000540.

Allele frequency attached by ClinVar (database versions not stated): TOPMed below 0.00001.

Submissions (2):

Institute of Human Genetics Munich, TUM University Hospital
Classification: Pathogenic for Astigmatism; Anisometropia; Trichiasis; Global developmental delay; Hypermetropia; Microphthalmia; Progeroid facial appearance; Microcephaly; Deeply set eye. Last evaluated: 2021-06-23. Review status: criteria provided, single submitter. Criteria: Classification criteria August 2017. Collection method: clinical testing. Allele origin: paternal. Inheritance: Autosomal recessive inheritance. Affected: yes. Observed: 1 variant allele.

Bicknell laboratory, University of Otago
Classification: Pathogenic for Meier-Gorlin syndrome. Review status: criteria provided, single submitter. Criteria: ACMG Guidelines, 2015. Collection method: research. Allele origin: inherited. Affected: yes.
Comment: Occurred as compound het with c.1579C>T

Literature cited by the submitters: PubMed 33654309 (cited by Institute of Human Genetics Munich, TUM University Hospital and Bicknell laboratory, University of Otago).